The following is an entry in ClinVar:

NM_000535.7(PMS2):c.2246A>G (p.Asn749Ser)

Gene: PMS2 (PMS1 homolog 2, mismatch repair system component; minus strand). Cytogenetic location: 7p22.1.
Variant type: single nucleotide variant.
Coding change: c.2246A>G on transcript NM_000535.7 (MANE Select); coding-DNA position 2246, A replaced by G.
Protein change: p.Asn749Ser; replaces asparagine 749 with serine.
Molecular consequence: missense variant. On other transcripts: non-coding transcript variant (1), intron variant (2).
Genome position (GRCh38, 1-based): chr7:5,978,625, T>C on the plus strand (A>G on the coding strand, the complement: PMS2 is on the minus strand). VCF-style: chr7-5978625-T-C. GRCh37 (hg19) VCF-style: chr7-6018256-T-C.
Other names: c.1841A>G, p.Asn614Ser (NM_001018040.1, NM_001322003.2, NM_001322004.2 and 15 more transcripts); c.2090A>G, p.Asn697Ser (NM_001322006.2, NM_001406870.1); c.1928A>G, p.Asn643Ser (NM_001322007.2, NM_001322008.2, NM_001406876.1 and 1 more transcripts); c.1685A>G, p.Asn562Ser (NM_001322010.2, NM_001406906.1, NM_001406907.1); c.1313A>G, p.Asn438Ser (NM_001322011.2, NM_001322012.2); c.1673A>G, p.Asn558Ser (NM_001322013.2, NM_001406908.1, NM_001406909.1); c.2246A>G, p.Asn749Ser (NM_001322014.2); c.1937A>G, p.Asn646Ser (NM_001322015.2, NM_001406875.1, NM_001406877.1 and 5 more transcripts); and 16 more; short protein forms N587S, N643S, N683S, N614S, N637S, N693S, N749S, N348S.
Identifiers: ClinVar variation 2560966 (VCV002560966.4), dbSNP rs2128682504, ClinGen allele CA366736585.

ClinVar aggregate classification (germline): Uncertain significance. Review status: criteria provided, multiple submitters, no conflicts (2 of 4 stars). 3 submissions from 3 submitters: Uncertain significance (3). Last evaluated 2025-05-11.

Conditions:
Hereditary nonpolyposis colorectal neoplasms. Identifiers: MedGen C0009405, MeSH D003123.
Hereditary cancer-predisposing syndrome. Also called: Neoplastic Syndromes, Hereditary; Hereditary Cancer Syndrome; Hereditary neoplastic syndrome; Tumor predisposition. Identifiers: Orphanet 140162, MedGen C0027672, MeSH D009386, MONDO:0015356.

Submissions (3):

Labcorp Genetics (formerly Invitae), Labcorp
Classification: Uncertain significance for Hereditary nonpolyposis colorectal neoplasms. Last evaluated: 2025-05-11. Review status: criteria provided, single submitter. Criteria: Invitae Variant Classification Sherloc (09022015). Collection method: clinical testing. Allele origin: germline.
Comment: This sequence change replaces asparagine, which is neutral and polar, with serine, which is neutral and polar, at codon 749 of the PMS2 protein (p.Asn749Ser). The frequency data for this variant in the population databases (gnomAD) is considered unreliable due to the presence of homologous sequence, such as pseudogenes or paralogs, in the genome. This variant has not been reported in the literature in individuals affected with PMS2-related conditions. ClinVar contains an entry for this variant (Variation ID: 2560966). Invitae Evidence Modeling of protein sequence and biophysical properties (such as structural, functional, and spatial information, amino acid conservation, physicochemical variation, residue mobility, and thermodynamic stability) indicates that this missense variant is expected to disrupt PMS2 protein function with a positive predictive value of 80%. In summary, the available evidence is currently insufficient to determine the role of this variant in disease. Therefore, it has been classified as a Variant of Uncertain Significance.

Color Diagnostics, LLC DBA Color Health
Classification: Uncertain significance for Hereditary cancer-predisposing syndrome. Last evaluated: 2024-07-26. Review status: criteria provided, single submitter. Criteria: ACMG Guidelines, 2015. Collection method: clinical testing. Allele origin: germline.
Comment: This missense variant replaces asparagine with serine at codon 749 of the PMS2 protein. Computational prediction suggests that this variant may have deleterious impact on protein structure and function (internally defined REVEL score threshold >= 0.7, PMID: 27666373). To our knowledge, functional studies have not been reported for this variant. This variant has not been reported in individuals affected with PMS2-related disorders in the literature. This variant has not been identified in the general population by the Genome Aggregation Database (gnomAD). The available evidence is insufficient to determine the role of this variant in disease conclusively. Therefore, this variant is classified as a Variant of Uncertain Significance.

Ambry Genetics
Classification: Uncertain significance for Hereditary cancer-predisposing syndrome. Last evaluated: 2023-04-23. Review status: criteria provided, single submitter. Criteria: Ambry Variant Classification Scheme 2023. Collection method: clinical testing. Allele origin: germline.
Comment: The p.N749S variant (also known as c.2246A>G), located in coding exon 13 of the PMS2 gene, results from an A to G substitution at nucleotide position 2246. The asparagine at codon 749 is replaced by serine, an amino acid with highly similar properties. This amino acid position is conserved. In addition, the in silico prediction for this alteration is inconclusive. Since supporting evidence is limited at this time, the clinical significance of this alteration remains unclear.